The following is an entry in ClinVar:

NM_001364905.1(LRBA):c.3156del (p.Asp1053fs)

Gene: LRBA (LPS responsive beige-like anchor protein; minus strand). Cytogenetic location: 4q31.3.
Variant type: Deletion.
Coding change: c.3156del on transcript NM_001364905.1 (MANE Select); coding-DNA position 3156, one base deleted (T; older notation c.3156delT).
Protein change: p.Asp1053fs; shifts the reading frame from aspartic acid 1053.
Molecular consequence: frameshift variant.
Genome position (GRCh38, 1-based): chr4:150,852,554, A deleted on the plus strand (T on the coding strand, the reverse complement: LRBA is on the minus strand). VCF-style (leftmost placement, unchanged base first): chr4-150852553-CA-C. GRCh37 (hg19) VCF-style: chr4-151773705-CA-C.
Other names: c.3156delT, p.Asp1053Thrfs (NM_001199282.3, NM_006726.5); c.3156del, p.Asp1053fs (NM_001367550.1); short protein forms D1053fs.
Identifiers: ClinVar variation 2203577 (VCV002203577.4), dbSNP rs2546501369, ClinGen allele CA2580071607.

ClinVar aggregate classification (germline): Pathogenic (1 of 4 stars; one submission).

Conditions:
Combined immunodeficiency due to LRBA deficiency. Also called: Common variable immunodeficiency 8, with autoimmunity. Identifiers: Orphanet 445018, MedGen C3553512, MONDO:0013863, OMIM 614700.

Submission:

Labcorp Genetics (formerly Invitae), Labcorp
Classification: Pathogenic for Combined immunodeficiency due to LRBA deficiency. Last evaluated: 2022-04-09. Review status: criteria provided, single submitter. Criteria: Invitae Variant Classification Sherloc (09022015). Collection method: clinical testing. Allele origin: germline.
Comment: This variant is not present in population databases (gnomAD no frequency). This premature translational stop signal has been observed in individual(s) with neonatal diabetes and autoimmune lymphoproliferative syndrome (PMID: 28473463). For these reasons, this variant has been classified as Pathogenic. This sequence change creates a premature translational stop signal (p.Asp1053Thrfs*2) in the LRBA gene. It is expected to result in an absent or disrupted protein product. Loss-of-function variants in LRBA are known to be pathogenic (PMID: 26206937, 26768763).

Literature cited by the submitters: PubMed 28473463; PubMed 26206937; PubMed 26768763.